The following is an entry in ClinVar:

ClinVar aggregate classification (germline): Uncertain significance (1 of 4 stars; one submission).

Conditions:
Tuberous sclerosis 1 (TSC1). Identifiers: Orphanet 805, MedGen C1854465, MONDO:0008612, OMIM 191100.

Submission:

Labcorp Genetics (formerly Invitae), Labcorp
Classification: Uncertain significance for Tuberous sclerosis 1. Last evaluated: 2022-01-06. Review status: criteria provided, single submitter. Criteria: Invitae Variant Classification Sherloc (09022015). Collection method: clinical testing. Allele origin: germline.
Comment: This sequence change replaces serine, which is neutral and polar, with alanine, which is neutral and non-polar, at codon 427 of the TSC1 protein (p.Ser427Ala). In summary, the available evidence is currently insufficient to determine the role of this variant in disease. Therefore, it has been classified as a Variant of Uncertain Significance. Algorithms developed to predict the effect of missense changes on protein structure and function output the following: SIFT: "Tolerated"; PolyPhen-2: "Benign"; Align-GVGD: "Class C0". The alanine amino acid residue is found in multiple mammalian species, which suggests that this missense change does not adversely affect protein function. This variant has not been reported in the literature in individuals affected with TSC1-related conditions. This variant is not present in population databases (gnomAD no frequency).

NM_000368.5(TSC1):c.1279T>G (p.Ser427Ala)

Gene: TSC1 (TSC complex subunit 1; minus strand). Cytogenetic location: 9q34.13.
Variant type: single nucleotide variant.
Coding change: c.1279T>G on transcript NM_000368.5 (MANE Select); coding-DNA position 1279, T replaced by G.
Protein change: p.Ser427Ala; replaces serine 427 with alanine.
Molecular consequence: missense variant.
Genome position (GRCh38, 1-based): chr9:132,907,355, A>C on the plus strand (T>G on the coding strand, the complement: TSC1 is on the minus strand). VCF-style: chr9-132907355-A-C. GRCh37 (hg19) VCF-style: chr9-135782742-A-C.
Other names: c.1279T>G, p.Ser427Ala (NM_001406607.1, NM_001406605.1, NM_001406606.1 and 7 more transcripts); c.1276T>G, p.Ser426Ala (NM_001406608.1, NM_001406609.1, NM_001406603.1 and 6 more transcripts); c.1126T>G, p.Ser376Ala (NM_001406610.1, NM_001162427.2); c.1123T>G, p.Ser375Ala (NM_001406611.1, NM_001406612.1, NM_001406613.1); c.913T>G, p.Ser305Ala (NM_001406622.1, NM_001406623.1, NM_001406625.1 and 2 more transcripts); c.916T>G, p.Ser306Ala (NM_001362177.2, NM_001406624.1, NM_001406614.1 and 5 more transcripts); c.328T>G, p.Ser110Ala (NM_001406626.1); c.325T>G, p.Ser109Ala (NM_001406627.1, NM_001406628.1); and 1 more; short protein forms S109A, S306A, S376A, S110A, S375A, S426A, S305A, S427A.
Identifiers: ClinVar variation 2076540 (VCV002076540.4), dbSNP rs2538785620, ClinGen allele CA375366193.